The following is an entry in ClinVar:

NM_001171613.2(PREPL):c.1590C>G (p.Tyr530Ter)

Gene: PREPL (prolyl endopeptidase like; minus strand). Cytogenetic location: 2p21.
Variant type: single nucleotide variant.
Coding change: c.1590C>G on transcript NM_001171613.2 (MANE Select); coding-DNA position 1590, C replaced by G.
Protein change: p.Tyr530Ter; replaces tyrosine 530 with a stop codon.
Molecular consequence: nonsense.
Genome position (GRCh38, 1-based): chr2:44,323,301, G>C on the plus strand (C>G on the coding strand, the complement: PREPL is on the minus strand). VCF-style: chr2-44323301-G-C. GRCh37 (hg19) VCF-style: chr2-44550440-G-C.
Other names: c.1671C>G, p.Tyr557Ter (NM_001042385.2); c.1659C>G, p.Tyr553Ter (NM_001042386.2); c.1857C>G, p.Tyr619Ter (NM_001171603.1, NM_001171606.2, NM_001374275.1 and 2 more transcripts); c.1590C>G, p.Tyr530Ter (NM_001171617.1, NM_001374277.1); short protein forms Y553*, Y530*, Y619*, Y557*.
Identifiers: ClinVar variation 4752619 (VCV004752619.1).
Genomic context (GRCh38, chr2:44,323,301, plus strand): 5'-AACACAATTGTCTTTCACTACCTGAGGTTTAATATTTTGATAGGGACAGTAACGTTTTAT[G>C]TAGTTCTTGTGTTTTTCATCAGATGAAGGATTCCCCCATTCTTCTAATTCTTCTAATGTC-3'

ClinVar aggregate classification (germline): Pathogenic (1 of 4 stars; one submission).

Conditions:
Myasthenic syndrome, congenital, 22 (CMS22). Also called: PREPL DEFICIENCY. Identifiers: MedGen C4479088, MONDO:0044299, OMIM 616224.

gnomAD v4.1: 2 of 1,607,598 alleles (0.00012%); highest among the groups gnomAD compares: Non-Finnish European, 0.00017%; no homozygotes.

Submission:

Labcorp Genetics (formerly Invitae), Labcorp
Classification: Pathogenic for Myasthenic syndrome, congenital, 22. Last evaluated: 2025-02-27. Review status: criteria provided, single submitter. Criteria: Invitae Variant Classification Sherloc (09022015). Collection method: clinical testing. Allele origin: germline.
Comment: This sequence change creates a premature translational stop signal (p.Tyr619*) in the PREPL gene. It is expected to result in an absent or disrupted protein product. Loss-of-function variants in PREPL are known to be pathogenic (PMID: 24610330, 28726805, 29913539). This variant is not present in population databases (gnomAD no frequency). This variant has not been reported in the literature in individuals affected with PREPL-related conditions. Algorithms developed to predict the effect of sequence changes on RNA splicing suggest that this variant may disrupt the consensus splice site. For these reasons, this variant has been classified as Pathogenic.

Literature cited by the submitters: PubMed 24610330; PubMed 28726805; PubMed 29913539.